The following is an entry in ClinVar:

NM_138694.3(PKHD1):c.6868_6877del

Gene: PKHD1 (PKHD1 ciliary IPT domain containing fibrocystin/polyductin; minus strand). Cytogenetic location: 6p12.2.
Variant type: Deletion.
Coding change: c.6868_6877del on transcript NM_138694.3; coding-DNA positions 6868 to 6877, 10 bases deleted (TGGTCAGGAC; older notation c.6868_6877delTGGTCAGGAC).
Genome position (GRCh38, 1-based): chr6:51,903,716-51,903,725, GTCCTGACCA deleted on the plus strand (TGGTCAGGAC on the coding strand, the reverse complement: PKHD1 is on the minus strand); deleting any 10 consecutive bases within chr6:51,903,716-51,903,728 gives the same sequence; the c. name uses the placement nearest the transcript's 3' end. VCF-style (leftmost placement, unchanged base first): chr6-51903715-TGTCCTGACCA-T. GRCh37 (hg19) VCF-style: chr6-51768513-TGTCCTGACCA-T.
Identifiers: ClinVar variation 4816729 (VCV004816729.1).
Genomic context (GRCh38, chr6:51,903,715, plus strand): 5'-TTGGAGAGTCCCTCGGCACCAGAAACCTGGATGATCACGTTGTTTCTTATTATATTTCCA[TGTCCTGACCA>T]GTCTAATGTTTCAACAAATCCAGGGGATCCACAAACATAATTAAAATGTACTCAACTCAA-3'

ClinVar aggregate classification (germline): Likely pathogenic (1 of 4 stars; one submission).

Conditions:
Autosomal recessive polycystic kidney disease (ARPKD). Also called: AR polycystic kidney disease. Identifiers: Orphanet 731, Orphanet 8378, MedGen C0085548, MeSH D017044, MONDO:0009889.

Submission:

Natera, Inc.
Classification: Likely pathogenic for Autosomal recessive polycystic kidney disease. Last evaluated: 2024-09-20. Review status: criteria provided, single submitter. Criteria: Natera Variant Classification Schema (03/2026). Collection method: clinical testing. Allele origin: germline.
Comment: The c.6868_6877del variant in PKHD1 is a frameshift variant predicted to shift the reading frame beginning at codon 2290 and leads to a stop codon 4 codons downstream. This variant is expected to result in nonsense mediated decay, truncation, or a dysfunctional protein product. This variant is rare in the general population with a frequency below the threshold expected for the associated phenotype(s). Given the available evidence, this variant is classified as Likely Pathogenic.